The following is an entry in ClinVar:

NM_025114.4(CEP290):c.5508A>T (p.Ile1836=)

Gene: CEP290 (centrosomal protein 290; minus strand). Cytogenetic location: 12q21.32.
Variant type: single nucleotide variant.
Coding change: c.5508A>T on transcript NM_025114.4 (MANE Select); coding-DNA position 5508, A replaced by T.
Protein change: p.Ile1836=; no amino-acid change (isoleucine 1836 retained).
Molecular consequence: synonymous variant.
Genome position (GRCh38, 1-based): chr12:88,077,775, T>A on the plus strand (A>T on the coding strand, the complement: CEP290 is on the minus strand). VCF-style: chr12-88077775-T-A. GRCh37 (hg19) VCF-style: chr12-88471552-T-A.
Other names: c.5508A>T (NM_025114.3).
Identifiers: ClinVar variation 1897718 (VCV001897718.6), dbSNP rs1565822532, ClinGen allele CA481073321.

ClinVar aggregate classification (germline): Likely benign. Review status: criteria provided, multiple submitters, no conflicts (2 of 4 stars). 2 submissions from 2 submitters: Likely benign (2). Last evaluated 2025-12-24.

Conditions:
CEP290-related disorder. Also called: CEP290-related disorders; CEP290-related condition. Identifiers: MedGen CN239314.
Nephronophthisis. Also called: Juvenile Nephronophthisis. Identifiers: Orphanet 655, MedGen C0687120, MONDO:0019005, HP:0000090.
Joubert syndrome. Also called: JOUBERT-BOLTSHAUSER SYNDROME; Familial aplasia of the vermis. Identifiers: Orphanet 475, MedGen C5979921, MONDO:0018772.
Meckel-Gruber syndrome. Also called: DYSENCEPHALIA SPLANCHNOCYSTICA; GRUBER SYNDROME; Dysencephalia splachnocystica. Identifiers: Orphanet 564, MedGen C0265215, MONDO:0018921.

Allele frequency attached by ClinVar (database versions not stated): TOPMed below 0.00001; gnomAD 0.00001; gnomAD exomes 0.00001.
gnomAD v4.1: 10 of 1,579,288 alleles (0.00063%); highest among the groups gnomAD compares: Non-Finnish European, 0.00077%; no homozygotes.

Submissions (2):

Labcorp Genetics (formerly Invitae), Labcorp
Classification: Likely benign for Joubert syndrome; Meckel-Gruber syndrome; Nephronophthisis. Last evaluated: 2025-12-24. Review status: criteria provided, single submitter. Criteria: Invitae Variant Classification Sherloc (09022015). Collection method: clinical testing. Allele origin: germline.

PreventionGenetics, part of Exact Sciences
Classification: Likely benign for CEP290-related condition. Last evaluated: 2025-09-11. Review status: criteria provided, single submitter. Criteria: ACMG Guidelines, 2015. Collection method: clinical testing. Allele origin: germline.
Comment: This variant is classified as likely benign based on ACMG/AMP sequence variant interpretation guidelines (Richards et al. 2015 PMID: 25741868, with internal and published modifications).